The following is an entry in ClinVar:

NM_025099.6(CTC1):c.1697C>T (p.Ser566Phe)

Gene: CTC1 (CST telomere replication complex component 1; minus strand). Cytogenetic location: 17p13.1.
Variant type: single nucleotide variant.
Coding change: c.1697C>T on transcript NM_025099.6 (MANE Select); coding-DNA position 1697, C replaced by T.
Protein change: p.Ser566Phe; replaces serine 566 with phenylalanine.
Molecular consequence: missense variant. On other transcripts: non-coding transcript variant (1).
Genome position (GRCh38, 1-based): chr17:8,234,576, G>A on the plus strand (C>T on the coding strand, the complement: CTC1 is on the minus strand). VCF-style: chr17-8234576-G-A. GRCh37 (hg19) VCF-style: chr17-8137894-G-A.
Other names: c.1697C>T, p.Ser566Phe (NM_001411067.1); short protein forms S566F.
Identifiers: ClinVar variation 2124760 (VCV002124760.4), dbSNP rs1351692819, ClinGen allele CA397983045.

ClinVar aggregate classification (germline): Uncertain significance (1 of 4 stars; one submission).

Conditions:
Dyskeratosis congenita. Identifiers: Orphanet 1775, MedGen C0265965, MONDO:0015780.

Submission:

Labcorp Genetics (formerly Invitae), Labcorp
Classification: Uncertain significance for Dyskeratosis congenita. Last evaluated: 2022-04-11. Review status: criteria provided, single submitter. Criteria: Invitae Variant Classification Sherloc (09022015). Collection method: clinical testing. Allele origin: germline.
Comment: In summary, the available evidence is currently insufficient to determine the role of this variant in disease. Therefore, it has been classified as a Variant of Uncertain Significance. Algorithms developed to predict the effect of missense changes on protein structure and function are either unavailable or do not agree on the potential impact of this missense change (SIFT: "Deleterious"; PolyPhen-2: "Possibly Damaging"; Align-GVGD: "Class C0"). This variant has not been reported in the literature in individuals affected with CTC1-related conditions. This variant is not present in population databases (gnomAD no frequency). This sequence change replaces serine, which is neutral and polar, with phenylalanine, which is neutral and non-polar, at codon 566 of the CTC1 protein (p.Ser566Phe).